The following is an entry in ClinVar:

NM_002907.4(RECQL):c.1135G>C (p.Asp379His)

Gene: RECQL (RecQ like helicase; minus strand). Cytogenetic location: 12p12.1.
Variant type: single nucleotide variant.
Coding change: c.1135G>C on transcript NM_002907.4 (MANE Select); coding-DNA position 1135, G replaced by C.
Protein change: p.Asp379His; replaces aspartic acid 379 with histidine.
Molecular consequence: missense variant.
Genome position (GRCh38, 1-based): chr12:21,475,549, C>G on the plus strand (G>C on the coding strand, the complement: RECQL is on the minus strand). VCF-style: chr12-21475549-C-G. GRCh37 (hg19) VCF-style: chr12-21628483-C-G.
Other names: c.1135G>C, p.Asp379His (NM_032941.3); short protein forms D379H.
Identifiers: ClinVar variation 1729604 (VCV001729604.2), dbSNP rs2540345016, ClinGen allele CA384120078.
Genomic context (GRCh38, chr12:21,475,549, plus strand): 5'-AATAATTTTCCATGGATTTACTCATTGAATGATGGATAACAAACCTCACATCTGGCTTAT[C>G]AATTCCCATACCAAATGCAACAGTTGCCACTACTACCTGAAATATTTTAACATTTTATCA-3'
Protein context (NP_002898.2, residues 369-389): VATVAFGMGI[Asp379His]KPDVRFVIHH

ClinVar aggregate classification (germline): Uncertain significance (1 of 4 stars; one submission).

Submission:

Ambry Genetics
Classification: Uncertain significance. Last evaluated: 2022-05-28. Review status: criteria provided, single submitter. Criteria: Ambry Variant Classification Scheme 2023. Collection method: clinical testing. Allele origin: germline.
Comment: The p.D379H variant (also known as c.1135G>C), located in coding exon 9 of the RECQL gene, results from a G to C substitution at nucleotide position 1135. The aspartic acid at codon 379 is replaced by histidine, an amino acid with similar properties. This amino acid position is conserved. In addition, this alteration is predicted to be deleterious by in silico analysis. Since supporting evidence is limited at this time, the clinical significance of this alteration remains unclear.